The following is an entry in ClinVar:

NM_000338.3(SLC12A1):c.1970C>T (p.Ala657Val)

Gene: SLC12A1 (solute carrier family 12 member 1; plus strand). Cytogenetic location: 15q21.1.
Variant type: single nucleotide variant.
Coding change: c.1970C>T on transcript NM_000338.3 (MANE Select); coding-DNA position 1970, C replaced by T.
Protein change: p.Ala657Val; replaces alanine 657 with valine.
Molecular consequence: missense variant.
Genome position (GRCh38, 1-based): chr15:48,255,838, C>T. VCF-style: chr15-48255838-C-T. GRCh37 (hg19) VCF-style: chr15-48548035-C-T.
Other names: c.1970C>T, p.Ala657Val (NM_001184832.2, NM_001384136.1); short protein forms A657V.
Identifiers: ClinVar variation 988129 (VCV000988129.1), dbSNP rs2041701051, ClinGen allele CA392313809.

ClinVar aggregate classification (germline): Uncertain significance (0 of 4 stars; one submission).

Conditions:
Bartter syndrome. Identifiers: Orphanet 112, MedGen C0004775, MONDO:0015231.
Familial hypokalemia-hypomagnesemia (GTLMNS). Also called: POTASSIUM AND MAGNESIUM DEPLETION; HYPOMAGNESEMIA-HYPOKALEMIA, PRIMARY RENOTUBULAR, WITH HYPOCALCIURIA; gitelman syndrome. Identifiers: Orphanet 358, MedGen C0268450, MONDO:0009904, OMIM 263800.

gnomAD v4.1: 1 of 1,608,004 alleles (0.000062%); highest among the groups gnomAD compares: South Asian, 0.0011%; no homozygotes.

Submission:

Sydney Genome Diagnostics, Children's Hospital Westmead
Classification: Uncertain significance for Familial hypokalemia-hypomagnesemia; Bartter syndrome. Last evaluated: 2018-05-29. Review status: no assertion criteria provided. Collection method: clinical testing. Allele origin: unknown. Affected: yes. Observed: 1 variant allele, 1 heterozygote.
Comment: To our knowledge, this variant has not been previously reported in the literature or any variant databases (i.e. ExAC, ESP or dbSNP). In silico analysis (Alamut Visual v2.8.1) using SIFT, MutationTaster and PolyPhen2 suggest this variant is likely to be pathogenic. This variant is considered to be a variant of uncertain clinical significance (VOUS) according to the ACMG guidelines.